The following is an entry in ClinVar:

ClinVar aggregate classification (germline): Pathogenic (1 of 4 stars; one submission).

Conditions:
Sialuria. Also called: Sialic Acid Storage Disease; SIALURIA, FRENCH TYPE. Identifiers: Orphanet 3166, MedGen C0342853, MONDO:0010028, OMIM 269921.
GNE myopathy (NM). Also called: IBM 2; Inclusion body myopathy autosomal recessive; Inclusion body myopathy quadriceps sparing; MYOPATHY, DISTAL, WITH OR WITHOUT RIMMED VACUOLES; NONAKA DISTAL MYOPATHY; INCLUSION BODY MYOPATHY, HEREDITARY, AUTOSOMAL RECESSIVE. Identifiers: Orphanet 602, MedGen C1853926, MONDO:0011603, OMIM 605820.

Submission:

Labcorp Genetics (formerly Invitae), Labcorp
Classification: Pathogenic for Sialuria; GNE myopathy. Last evaluated: 2021-11-21. Review status: criteria provided, single submitter. Criteria: Invitae Variant Classification Sherloc (09022015). Collection method: clinical testing. Allele origin: germline.
Comment: This variant is a gross deletion of the genomic region encompassing exon(s) 3 of the GNE gene. This deletion is out-of-frame, and is expected to create a premature termination codon and result in an absent or disrupted protein product. Loss-of-function variants in GNE are known to be pathogenic (PMID: 24027297). A similar copy number variant has been observed in individual(s) with GNE-related conditions (PMID: 24027297). For these reasons, this variant has been classified as Pathogenic.

Literature cited by the submitters: PubMed 24027297.

NC_000009.11:g.(?_36246018)_(36246489_?)del

Gene: GNE (glucosamine (UDP-N-acetyl)-2-epimerase/N-acetylmannosamine kinase; minus strand). Cytogenetic location: 9p13.3.
Variant type: Deletion.
Identifiers: ClinVar variation 2423766 (VCV002423766.3).